The following is an entry in ClinVar:

NM_004560.4(ROR2):c.2206C>T (p.Arg736Trp)

Gene: ROR2 (receptor tyrosine kinase like orphan receptor 2; minus strand). Cytogenetic location: 9q22.31.
Variant type: single nucleotide variant.
Coding change: c.2206C>T on transcript NM_004560.4 (MANE Select); coding-DNA position 2206, C replaced by T.
Protein change: p.Arg736Trp; replaces arginine 736 with tryptophan.
Molecular consequence: missense variant.
Genome position (GRCh38, 1-based): chr9:91,724,288, G>A on the plus strand (C>T on the coding strand, the complement: ROR2 is on the minus strand). VCF-style: chr9-91724288-G-A. GRCh37 (hg19) VCF-style: chr9-94486570-G-A.
Other names: c.2206C>T (NM_004560.3); short protein forms R736W.
Identifiers: ClinVar variation 1002128 (VCV001002128.12), dbSNP rs1329621652, ClinGen allele CA373795440.

ClinVar aggregate classification (germline): Uncertain significance. Review status: criteria provided, multiple submitters, no conflicts (2 of 4 stars). 3 submissions from 3 submitters: Uncertain significance (3). Last evaluated 2026-01-01.

Conditions:
Brachydactyly type B1 (BDB1). Identifiers: Orphanet 572385, Orphanet 93383, MedGen C1862112, MONDO:0007220, OMIM 113000.
Autosomal recessive Robinow syndrome (RRS1). Also called: ROR2-Related Robinow Syndrome; ROBINOW SYNDROME, AUTOSOMAL RECESSIVE 1; COSTOVERTEBRAL SEGMENTATION DEFECT WITH MESOMELIA; COVESDEM SYNDROME. Identifiers: Orphanet 1507, Orphanet 97360, MedGen C5399974, MONDO:0009999, OMIM 268310.
Inborn genetic diseases. Identifiers: MedGen C0950123, MeSH D030342.

Allele frequency attached by ClinVar (database versions not stated): gnomAD exomes 0.00001; gnomAD 0.00002; TOPMed 0.00002.

Submissions (3):

Labcorp Genetics (formerly Invitae), Labcorp
Classification: Uncertain significance. Last evaluated: 2026-01-01. Review status: criteria provided, single submitter. Criteria: Invitae Variant Classification Sherloc (09022015). Collection method: clinical testing. Allele origin: germline.
Comment: This sequence change replaces arginine, which is basic and polar, with tryptophan, which is neutral and slightly polar, at codon 736 of the ROR2 protein (p.Arg736Trp). This variant is present in population databases (no rsID available, gnomAD 0.002%). This variant has not been reported in the literature in individuals affected with ROR2-related conditions. ClinVar contains an entry for this variant (Variation ID: 1002128). Invitae Evidence Modeling of protein sequence and biophysical properties (such as structural, functional, and spatial information, amino acid conservation, physicochemical variation, residue mobility, and thermodynamic stability) indicates that this missense variant is expected to disrupt ROR2 protein function with a positive predictive value of 80%. In summary, the available evidence is currently insufficient to determine the role of this variant in disease. Therefore, it has been classified as a Variant of Uncertain Significance.

Ambry Genetics
Classification: Uncertain significance for Inborn genetic diseases. Last evaluated: 2025-04-13. Review status: criteria provided, single submitter. Criteria: Ambry Variant Classification Scheme 2023. Collection method: clinical testing. Allele origin: germline.

Fulgent Genetics
Classification: Uncertain significance for Brachydactyly type B1; Autosomal recessive Robinow syndrome. Last evaluated: 2022-04-19. Review status: criteria provided, single submitter. Criteria: ACMG Guidelines, 2015. Collection method: clinical testing. Allele origin: unknown.